The following is an entry in ClinVar:

NM_020877.5(DNAH2):c.978+4T>C

Gene: DNAH2 (dynein axonemal heavy chain 2; plus strand). Cytogenetic location: 17p13.1.
Variant type: single nucleotide variant.
Coding change: c.978+4T>C on transcript NM_020877.5 (MANE Select); 4 bases into the intron after coding-DNA position 978, T replaced by C.
Molecular consequence: intron variant.
Genome position (GRCh38, 1-based): chr17:7,734,712, T>C. VCF-style: chr17-7734712-T-C. GRCh37 (hg19) VCF-style: chr17-7638030-T-C.
Other names: c.978+4T>C (NM_001303270.2).
Identifiers: ClinVar variation 3040117 (VCV003040117.2), dbSNP rs199945580, ClinGen allele CA8355991.

ClinVar aggregate classification (germline): Likely benign (0 of 4 stars; one submission).

Conditions:
DNAH2-related disorder. Also called: DNAH2-related condition.

Allele frequency attached by ClinVar (database versions not stated): TOPMed 0.00034; gnomAD 0.00038; ExAC 0.00040; ESP Exome Variant Server 0.00062; gnomAD exomes 0.00072.
gnomAD v4.1: 1,123 of 1,611,864 alleles (0.07%); highest among the groups gnomAD compares: Non-Finnish European, 0.089%; no homozygotes.

Submission:

PreventionGenetics, part of Exact Sciences
Classification: Likely benign for DNAH2-related condition. Last evaluated: 2019-09-19. Review status: no assertion criteria provided. Collection method: clinical testing. Allele origin: germline.
Comment: This variant is classified as likely benign based on ACMG/AMP sequence variant interpretation guidelines (Richards et al. 2015 PMID: 25741868, with internal and published modifications).